The following is an entry in ClinVar:

ClinVar aggregate classification (germline): not provided (0 of 4 stars; one submission).

Conditions:
Normal pregnancy. Identifiers: MedGen C0232989.

Submission:

Institute of Molecular and Cell Biology, University of Tartu
No classification provided. Condition: Normal pregnancy. Review status: no classification provided. Collection method: case-control. Allele origin: unknown. Affected: yes. Study: Kasak2014.
Comment: The study aimed to determine the contribution of copy number variants in the genetic etiology of normal and complicated pregnancies. The samples represented (i) maternal blood DNA drawn from healthy pregnant women during 1st or 2nd trimester and (ii) maternal and paternal blood DNA drawn at term pregnancy cases representing normal and complicated gestations (severe preeclampsia, PE; gestational diabetes, GD; small-for-gestational age newborn, SGA; large-for-gestational age newborn, LGA). We performed CNV calling based on genome-wide genotyping dataset (Illumina HumanOmniExpress-24-v1 BeadChip) by applying three algorithms, QuantiSNP, GADA (Genome Alteration Detection Algorithm) and CNstream in parallel. The acquired CNV calls were merged with HD-CNV (Hotspot Detector for Copy Number Variants) program and only the CNVs predicted by at least two programs, were considered in subsequent analysis.

Literature cited by the submitters: PubMed 25666259.

NM_001277115.1(DNAH11):c.*88_*70420dup

Genes: CDCA7L (cell division cycle associated 7 like; minus strand), DNAH11 (dynein axonemal heavy chain 11; plus strand), LOC129998046 (ATAC-STARR-seq lymphoblastoid silent region 17998; plus strand), LOC129998047 (ATAC-STARR-seq lymphoblastoid active region 25702; plus strand). Cytogenetic location: 7p15.3.
Variant type: Duplication.
Coding change: c.*88_*70420dup on transcript NM_001277115.1; 88 bases downstream of the stop codon through 70420 bases downstream of the stop codon, this stretch duplicated.
Identifiers: ClinVar variation 157045 (VCV000157045.2).